The following is an entry in ClinVar:

ClinVar aggregate classification (germline): Conflicting classifications of pathogenicity. Review status: criteria provided, conflicting classifications (1 of 4 stars). 3 submissions from 3 submitters: Likely pathogenic (1); Uncertain significance (2). Last evaluated 2026-06-01.

Conditions:
Long QT syndrome 2 (LQT2). Identifiers: Orphanet 101016, Orphanet 768, MedGen C3150943, MONDO:0013367, OMIM 613688.
Long QT syndrome (LQTS). Identifiers: MedGen C0023976, MeSH D008133, MONDO:0002442. Disease mechanism: loss of function. Inheritance: Various modes of inheritance.

gnomAD v4.1: 1 of 1,613,934 alleles (0.000062%); highest among the groups gnomAD compares: Non-Finnish European, 0.000085%; no homozygotes.

Submissions (3):

Victorian Clinical Genetics Services, Murdoch Childrens Research Institute
Classification: Likely pathogenic for Long QT syndrome 2. Last evaluated: 2026-06-01. Review status: criteria provided, single submitter. Criteria: ACMG Guidelines, 2015. Collection method: clinical testing. Allele origin: germline. Affected: yes.
Comment: This variant is classified as Likely pathogenic. Evidence in support of pathogenic classification: Variant is present in gnomAD <0.001 for a dominant condition (v4: 1 heterozygote(s), 0 homozygote(s)); This variant has strong functional evidence supporting abnormal protein function. Patch clamp studies have shown that this variant has a strong dominant negative effect with a Z-score of <-4 (Cardiac Electrophysiology Lab, Victor Chang Cardiac Research Institute, NSW, Australia, PMID: 35688147); Other missense variants comparable to the one identified in this case have moderate previous evidence for pathogenicity. p.(Cys828Tyr) has been reported as de novo in one child with LQTS (PMID: 36973673) and p.(Cys828Trp) has been reported in one individual with LQTS (PMID: 32893267). In addition, p.(Cys828Ser) has been classified as a VUS by a clinical laboratory in ClinVar; Missense variant predicted to be damaging by in silico tool(s) or highly conserved with a major amino acid change. Additional information: Variant is predicted to result in a missense amino acid change from Cys to Arg; This variant is heterozygous; This gene is associated with autosomal dominant disease; Alternative amino acid change(s) at the same position are present in gnomAD (highest allele count: v4: 1 heterozygote(s), 0 homozygote(s)); Previous evidence of pathogenicity for this variant is inconclusive. The variant has been classified as a VUS by multiple clinical laboratories (ClinVar); No published evidence of segregation with disease has been identified for this variant; No comparable missense variants have previous evidence for pathogenicity; Variant is located in the annotated cyclic nucleotide-binding domain (DECIPHER); Dominant negative and loss of function are known mechanisms of disease in this gene and are associated with long QT syndrome 2 (MIM#613688). Gain of function is also a known mechanism associated with short QT syndrome 1 (MIM#609620) (OMIM, PMID: 10753933, 21777565); The condition associated with this gene has incomplete penetrance (PMID: 20301308); Inheritance information for this variant is not currently available in this individual.

Women's Health and Genetics/Laboratory Corporation of America, LabCorp
Classification: Uncertain significance. Last evaluated: 2023-05-18. Review status: criteria provided, single submitter. Criteria: LabCorp Variant Classification Summary - May 2015. Collection method: clinical testing. Allele origin: germline.

Labcorp Genetics (formerly Invitae), Labcorp
Classification: Uncertain significance for Long QT syndrome. Last evaluated: 2019-03-15. Review status: criteria provided, single submitter. Criteria: Invitae Variant Classification Sherloc (09022015). Collection method: clinical testing. Allele origin: germline.
Comment: In summary, the available evidence is currently insufficient to determine the role of this variant in disease. Therefore, it has been classified as a Variant of Uncertain Significance. Algorithms developed to predict the effect of missense changes on protein structure and function are either unavailable or do not agree on the potential impact of this missense change (SIFT: "Deleterious"; PolyPhen-2: "Probably Damaging"; Align-GVGD: "Class C0"). This variant has not been reported in the literature in individuals with KCNH2-related conditions. This variant is not present in population databases (ExAC no frequency). This sequence change replaces cysteine with arginine at codon 828 of the KCNH2 protein (p.Cys828Arg). The cysteine residue is highly conserved and there is a large physicochemical difference between cysteine and arginine.

Literature cited by the submitters: PubMed 21777565 (cited by Victorian Clinical Genetics Services, Murdoch Childrens Research Institute); PubMed 36973673 (cited by Victorian Clinical Genetics Services, Murdoch Childrens Research Institute); PubMed 35688147 (cited by Victorian Clinical Genetics Services, Murdoch Childrens Research Institute); PubMed 32893267 (cited by Victorian Clinical Genetics Services, Murdoch Childrens Research Institute); PubMed 10753933 (cited by Victorian Clinical Genetics Services, Murdoch Childrens Research Institute); PubMed 20301308 (cited by Victorian Clinical Genetics Services, Murdoch Childrens Research Institute).

NM_000238.4(KCNH2):c.2482T>C (p.Cys828Arg)

Gene: KCNH2 (potassium voltage-gated channel subfamily H member 2; minus strand). Cytogenetic location: 7q36.1.
Variant type: single nucleotide variant.
Coding change: c.2482T>C on transcript NM_000238.4 (MANE Select); coding-DNA position 2482, T replaced by C.
Protein change: p.Cys828Arg; replaces cysteine 828 with arginine.
Molecular consequence: missense variant.
Genome position (GRCh38, 1-based): chr7:150,948,966, A>G on the plus strand (T>C on the coding strand, the complement: KCNH2 is on the minus strand). VCF-style: chr7-150948966-A-G. GRCh37 (hg19) VCF-style: chr7-150646054-A-G.
Other names: c.1462T>C, p.Cys488Arg (NM_172057.3); short protein forms C488R, C828R.
Identifiers: ClinVar variation 842229 (VCV000842229.12), dbSNP rs1801029729, ClinGen allele CA369855122.